The following is an entry in ClinVar:

NM_006929.5(SKIC2):c.1829G>A (p.Arg610His)

Gene: SKIC2 (SKI2 subunit of superkiller complex; plus strand). Cytogenetic location: 6p21.33.
Variant type: single nucleotide variant.
Coding change: c.1829G>A on transcript NM_006929.5 (MANE Select); coding-DNA position 1829, G replaced by A.
Protein change: p.Arg610His; replaces arginine 610 with histidine.
Molecular consequence: missense variant.
Genome position (GRCh38, 1-based): chr6:31,964,094, G>A. VCF-style: chr6-31964094-G-A. GRCh37 (hg19) VCF-style: chr6-31931871-G-A.
Other names: short protein forms R610H.
Identifiers: ClinVar variation 2108216 (VCV002108216.1), dbSNP rs773282359, ClinGen allele CA3729586.

ClinVar aggregate classification (germline): Uncertain significance (1 of 4 stars; one submission).

Allele frequency attached by ClinVar (database versions not stated): ExAC 0.00003; gnomAD 0.00008.
gnomAD v4.1: 55 of 1,612,326 alleles (0.0034%); highest among the groups gnomAD compares: Middle Eastern, 0.016%; no homozygotes.

Submission:

Labcorp Genetics (formerly Invitae), Labcorp
Classification: Uncertain significance. Last evaluated: 2022-06-27. Review status: criteria provided, single submitter. Criteria: Invitae Variant Classification Sherloc (09022015). Collection method: clinical testing. Allele origin: germline.
Comment: This sequence change replaces arginine, which is basic and polar, with histidine, which is basic and polar, at codon 610 of the SKIV2L protein (p.Arg610His). This variant is present in population databases (rs773282359, gnomAD 0.06%). This variant has not been reported in the literature in individuals affected with SKIV2L-related conditions. Algorithms developed to predict the effect of missense changes on protein structure and function are either unavailable or do not agree on the potential impact of this missense change (SIFT: "Deleterious"; PolyPhen-2: "Probably Damaging"; Align-GVGD: "Class C0"). In summary, the available evidence is currently insufficient to determine the role of this variant in disease. Therefore, it has been classified as a Variant of Uncertain Significance.